The following is an entry in ClinVar:

NM_144670.6(A2ML1):c.2575A>T (p.Thr859Ser)

Gene: A2ML1 (alpha-2-macroglobulin like 1; plus strand). Cytogenetic location: 12p13.31.
Variant type: single nucleotide variant.
Coding change: c.2575A>T on transcript NM_144670.6 (MANE Select); coding-DNA position 2575, A replaced by T.
Protein change: p.Thr859Ser; replaces threonine 859 with serine.
Molecular consequence: missense variant.
Genome position (GRCh38, 1-based): chr12:8,852,321, A>T. VCF-style: chr12-8852321-A-T. GRCh37 (hg19) VCF-style: chr12-9004917-A-T.
Other names: c.1102A>T, p.Thr368Ser (NM_001282424.3); short protein forms T368S, T859S.
Identifiers: ClinVar variation 3513298 (VCV003513298.1).

ClinVar aggregate classification (germline): Uncertain significance (1 of 4 stars; one submission).

Submission:

Ambry Genetics
Classification: Uncertain significance. Last evaluated: 2024-07-07. Review status: criteria provided, single submitter. Criteria: Ambry Variant Classification Scheme 2023. Collection method: clinical testing. Allele origin: germline.
Comment: The p.T859S variant (also known as c.2575A>T), located in coding exon 20 of the A2ML1 gene, results from an A to T substitution at nucleotide position 2575. The threonine at codon 859 is replaced by serine, an amino acid with similar properties. This amino acid position is conserved. In addition, this alteration is predicted to be tolerated by in silico analysis. Based on the available evidence, the clinical significance of this variant remains unclear.